The following is an entry in ClinVar:

ClinVar aggregate classification (germline): Uncertain significance (1 of 4 stars; one submission).

Submission:

GeneDx
Classification: Uncertain significance. Last evaluated: 2024-07-26. Review status: criteria provided, single submitter. Criteria: GeneDx Variant Classification Process June 2021. Collection method: clinical testing. Allele origin: germline. Affected: yes.
Comment: Not observed at significant frequency in large population cohorts (gnomAD); In silico analysis supports that this missense variant has a deleterious effect on protein structure/function; Has not been previously published as pathogenic or benign to our knowledge

NM_033305.3(VPS13A):c.8891G>A (p.Gly2964Glu)

Gene: VPS13A (vacuolar protein sorting 13 homolog A; plus strand). Cytogenetic location: 9q21.2.
Variant type: single nucleotide variant.
Coding change: c.8891G>A on transcript NM_033305.3 (MANE Select); coding-DNA position 8891, G replaced by A.
Protein change: p.Gly2964Glu; replaces glycine 2964 with glutamic acid.
Molecular consequence: missense variant.
Genome position (GRCh38, 1-based): chr9:77,370,562, G>A. VCF-style: chr9-77370562-G-A. GRCh37 (hg19) VCF-style: chr9-79985478-G-A.
Other names: c.8774G>A, p.Gly2925Glu (NM_001018037.2); c.8891G>A, p.Gly2964Glu (NM_001018038.3, NM_015186.4); short protein forms G2925E, G2964E.
Identifiers: ClinVar variation 3602285 (VCV003602285.1).